The following is an entry in ClinVar:

NM_014855.3(AP5Z1):c.1498C>T (p.Leu500Phe)

Gene: AP5Z1 (adaptor related protein complex 5 subunit zeta 1; plus strand). Cytogenetic location: 7p22.1.
Variant type: single nucleotide variant.
Coding change: c.1498C>T on transcript NM_014855.3 (MANE Select); coding-DNA position 1498, C replaced by T.
Protein change: p.Leu500Phe; replaces leucine 500 with phenylalanine.
Molecular consequence: missense variant. On other transcripts: non-coding transcript variant (1).
Genome position (GRCh38, 1-based): chr7:4,788,197, C>T. VCF-style: chr7-4788197-C-T. GRCh37 (hg19) VCF-style: chr7-4827828-C-T.
Other names: c.1030C>T, p.Leu344Phe (NM_001364858.1); c.1498C>T (NM_014855.2); short protein forms L344F, L500F.
Identifiers: ClinVar variation 3249307 (VCV003249307.5).

ClinVar aggregate classification (germline): Uncertain significance. Review status: criteria provided, multiple submitters, no conflicts (2 of 4 stars). 4 submissions from 4 submitters: Uncertain significance (3). 1 of the submissions does not count toward it. Last evaluated 2025-08-20.

Conditions:
Hereditary spastic paraplegia 48. Also called: Spastic paraplegia 48; SPASTIC PARAPLEGIA 48, AUTOSOMAL RECESSIVE. Identifiers: Orphanet 306511, MedGen C3150901, MONDO:0013342, OMIM 613647.
Retinal dystrophy. Also called: Inherited retinal dystrophy. Identifiers: Orphanet 71862, MedGen C0854723, MeSH D058499, MONDO:0019118, HP:0000556.
Inborn genetic diseases. Identifiers: MedGen C0950123, MeSH D030342.

gnomAD v4.1: 23 of 1,561,470 alleles (0.0015%); highest among the groups gnomAD compares: South Asian, 0.0059%; no homozygotes.

Submissions (4):

Labcorp Genetics (formerly Invitae), Labcorp
Classification: Uncertain significance for Hereditary spastic paraplegia 48. Last evaluated: 2025-08-20. Review status: criteria provided, single submitter. Criteria: Invitae Variant Classification Sherloc (09022015). Collection method: clinical testing. Allele origin: germline.
Comment: This sequence change replaces leucine, which is neutral and non-polar, with phenylalanine, which is neutral and non-polar, at codon 500 of the AP5Z1 protein (p.Leu500Phe). The frequency data for this variant in the population databases is considered unreliable, as metrics indicate poor data quality at this position in the gnomAD database. This variant has not been reported in the literature in individuals affected with AP5Z1-related conditions. ClinVar contains an entry for this variant (Variation ID: 3249307). Invitae Evidence Modeling of protein sequence and biophysical properties (such as structural, functional, and spatial information, amino acid conservation, physicochemical variation, residue mobility, and thermodynamic stability) indicates that this missense variant is not expected to disrupt AP5Z1 protein function with a negative predictive value of 80%. Algorithms developed to predict the effect of sequence changes on RNA splicing suggest that this variant may create or strengthen a splice site. In summary, the available evidence is currently insufficient to determine the role of this variant in disease. Therefore, it has been classified as a Variant of Uncertain Significance.

Ambry Genetics
Classification: Uncertain significance for Inborn genetic diseases. Last evaluated: 2025-02-11. Review status: criteria provided, single submitter. Criteria: Ambry Variant Classification Scheme 2023. Collection method: clinical testing. Allele origin: germline.

Blueprint Genetics
Classification: Uncertain significance. Last evaluated: 2024-10-30. Review status: criteria provided, single submitter. Criteria: ACMG Guidelines, 2015. Collection method: clinical testing. Allele origin: germline.

Institute of Human Genetics, Univ. Regensburg, Univ. Regensburg
Classification: Uncertain significance for Retinal dystrophy. Last evaluated: 2022-01-01. Review status: no assertion criteria provided. Criteria: ACMG Guidelines, 2015. Collection method: clinical testing. Allele origin: germline. Affected: yes. Not counted in ClinVar's aggregate classification.